The following is an entry in ClinVar:

NM_000400.4(ERCC2):c.934G>T (p.Asp312Tyr)

Gene: ERCC2 (ERCC excision repair 2, TFIIH core complex helicase subunit; minus strand). Cytogenetic location: 19q13.32.
Variant type: single nucleotide variant.
Coding change: c.934G>T on transcript NM_000400.4 (MANE Select); coding-DNA position 934, G replaced by T.
Protein change: p.Asp312Tyr; replaces aspartic acid 312 with tyrosine.
Molecular consequence: missense variant.
Genome position (GRCh38, 1-based): chr19:45,364,001, C>A on the plus strand (G>T on the coding strand, the complement: ERCC2 is on the minus strand). VCF-style: chr19-45364001-C-A. GRCh37 (hg19) VCF-style: chr19-45867259-C-A.
Other names: c.862G>T, p.Asp288Tyr (NM_001130867.2); short protein forms D288Y, D312Y.
Identifiers: ClinVar variation 2415239 (VCV002415239.4), dbSNP rs1799793, ClinGen allele CA308966691.

ClinVar aggregate classification (germline): Uncertain significance. Review status: criteria provided, multiple submitters, no conflicts (2 of 4 stars). 2 submissions from 2 submitters: Uncertain significance (2). Last evaluated 2025-12-05.

gnomAD v4.1: 2 of 1,543,764 alleles (0.00013%); highest among the groups gnomAD compares: Admixed American, 0.002%; no homozygotes.

Submissions (2):

Dasa
Classification: Uncertain significance. Last evaluated: 2025-12-05. Review status: criteria provided, single submitter. Criteria: DASA Assertion Criteria. Collection method: clinical testing. Allele origin: germline.
Comment: NM_000400.4(ERCC2):c.934G>T (p.Asp312Tyr) is a missense variant that results in the substitution of aspartic acid with tyrosine. This variant is rare in population databases. The currently available literature and clinical evidence are not sufficient to establish a definitive association between this variant and the reported condition. Therefore, this variant is classified as a variant of uncertain significance.

Labcorp Genetics (formerly Invitae), Labcorp
Classification: Uncertain significance. Last evaluated: 2022-01-15. Review status: criteria provided, single submitter. Criteria: Invitae Variant Classification Sherloc (09022015). Collection method: clinical testing. Allele origin: germline.
Comment: This sequence change replaces aspartic acid, which is acidic and polar, with tyrosine, which is neutral and polar, at codon 312 of the ERCC2 protein (p.Asp312Tyr). This variant is present in population databases (no rsID available, gnomAD 0.004%). This variant has not been reported in the literature in individuals affected with ERCC2-related conditions. Algorithms developed to predict the effect of missense changes on protein structure and function are either unavailable or do not agree on the potential impact of this missense change (SIFT: "Deleterious"; PolyPhen-2: "Probably Damaging"; Align-GVGD: "Class C0"). In summary, the available evidence is currently insufficient to determine the role of this variant in disease. Therefore, it has been classified as a Variant of Uncertain Significance.